The following is an entry in ClinVar:

NM_001171.6(ABCC6):c.2018T>C (p.Leu673Pro)

Gene: ABCC6 (ATP binding cassette subfamily C member 6; minus strand). Cytogenetic location: 16p13.11.
Variant type: single nucleotide variant.
Coding change: c.2018T>C on transcript NM_001171.6 (MANE Select); coding-DNA position 2018, T replaced by C.
Protein change: p.Leu673Pro; replaces leucine 673 with proline.
Molecular consequence: missense variant. On other transcripts: non-coding transcript variant (1).
Genome position (GRCh38, 1-based): chr16:16,182,856, A>G on the plus strand (T>C on the coding strand, the complement: ABCC6 is on the minus strand). VCF-style: chr16-16182856-A-G. GRCh37 (hg19) VCF-style: chr16-16276713-A-G.
Other names: c.1676T>C, p.Leu559Pro (NM_001351800.1); short protein forms L673P, L559P.
Identifiers: ClinVar variation 379930 (VCV000379930.12), dbSNP rs67470842, ClinGen allele CA7926056.

ClinVar aggregate classification (germline): Pathogenic/Likely pathogenic. Review status: criteria provided, multiple submitters, no conflicts (2 of 4 stars). 5 submissions from 5 submitters: Pathogenic (1); Likely pathogenic (3). 1 of the submissions does not count toward it. Last evaluated 2026-01-23.

Conditions:
ABCC6-related disorder. Also called: ABCC6-related condition.
Autosomal recessive inherited pseudoxanthoma elasticum (PXE). Identifiers: Orphanet 758, MedGen CN032334, MONDO:0009925, OMIM 264800.

Allele frequency attached by ClinVar (database versions not stated): gnomAD 0.00001; TOPMed 0.00001; ExAC 0.00002; gnomAD exomes 0.00002; ESP Exome Variant Server 0.00015.
gnomAD v4.1: 24 of 1,613,982 alleles (0.0015%); highest among the groups gnomAD compares: Non-Finnish European, 0.0019%; no homozygotes.

Submissions (5):

PreventionGenetics, part of Exact Sciences
Classification: Likely pathogenic for ABCC6-related condition. Last evaluated: 2026-01-23. Review status: criteria provided, single submitter. Criteria: ACMG Guidelines, 2015. Collection method: clinical testing. Allele origin: germline.
Comment: The ABCC6 c.2018T>C variant is predicted to result in the amino acid substitution p.Leu673Pro. This variant has been reported in individuals with pseudoxanthoma elasticum (see for example: Le Saux et al. 2001. PubMed ID: 11536079; Table S1, Saeidian et al. 2021. PubMed ID: 34906475; Table S1, Boraldi et al. 2021. PubMed ID: 34205333). This variant has been shown to impact protein function and is located in the nucleotide binding domain (NBD1; Ran et al. 2018. PubMed ID: 30154241).This variant is reported in 0.0058% of alleles in individuals of Latino descent in gnomAD. This variant is interpreted as likely pathogenic.

Blueprint Genetics
Classification: Likely pathogenic for ABCC6-related disorders. Last evaluated: 2024-10-03. Review status: criteria provided, single submitter. Criteria: ACMG Guidelines, 2015. Collection method: clinical testing. Allele origin: germline. Affected: yes. Observed: 3 variant alleles.

Labcorp Genetics (formerly Invitae), Labcorp
Classification: Pathogenic. Last evaluated: 2024-06-02. Review status: criteria provided, single submitter. Criteria: Invitae Variant Classification Sherloc (09022015). Collection method: clinical testing. Allele origin: germline.
Comment: This sequence change replaces leucine, which is neutral and non-polar, with proline, which is neutral and non-polar, at codon 673 of the ABCC6 protein (p.Leu673Pro). This variant is present in population databases (rs67470842, gnomAD 0.006%). This missense change has been observed in individual(s) with pseudoxanthoma elasticum (PMID: 11536079; Invitae). In at least one individual the data is consistent with being in trans (on the opposite chromosome) from a pathogenic variant. ClinVar contains an entry for this variant (Variation ID: 379930). Advanced modeling of protein sequence and biophysical properties (such as structural, functional, and spatial information, amino acid conservation, physicochemical variation, residue mobility, and thermodynamic stability) performed at Invitae indicates that this missense variant is expected to disrupt ABCC6 protein function with a positive predictive value of 95%. Experimental studies have shown that this missense change affects ABCC6 function (PMID: 30154241). For these reasons, this variant has been classified as Pathogenic.

GeneDx
Classification: Likely pathogenic. Last evaluated: 2019-07-30. Review status: criteria provided, single submitter. Criteria: GeneDx Variant Classification Process June 2021. Collection method: clinical testing. Allele origin: germline. Affected: yes.
Comment: Published functional studies demonstrate that L673P results in significant misfolding or protein destabilization (Ran et al., 2018); This variant is associated with the following publications: (PMID: 30154241, 12384774, 11536079, 31589614)

PXE International
Classification: Pathogenic for Autosomal recessive inherited pseudoxanthoma elasticum. Last evaluated: 2021-03-01. Review status: no assertion criteria provided. Collection method: research. Allele origin: germline. Inheritance: Autosomal recessive inheritance. Affected: yes. Observed: 2 variant alleles. Not counted in ClinVar's aggregate classification.

Literature cited by the submitters: PubMed 11536079 (cited by Labcorp Genetics (formerly Invitae), Labcorp); PubMed 30154241 (cited by Labcorp Genetics (formerly Invitae), Labcorp); PubMed 32873932 (cited by PXE International).